The following is an entry in ClinVar:

ClinVar aggregate classification (germline): Pathogenic/Likely pathogenic. Review status: criteria provided, multiple submitters, no conflicts (2 of 4 stars). 2 submissions from 2 submitters: Pathogenic (1); Likely pathogenic (1). Last evaluated 2022-05-03.

Conditions:
Autosomal recessive ataxia, Beauce type. Also called: ATAXIA, RECESSIVE, OF BEAUCE; Spinocerebellar ataxia, autosomal recessive 8; SYNE1-Related Autosomal Recessive Cerebellar Ataxia; SYNE1 Deficiency. Identifiers: Orphanet 88644, MedGen C1853116, MONDO:0012549, OMIM 610743.
Emery-Dreifuss muscular dystrophy 4, autosomal dominant (EDMD4). Also called: EMERY-DREIFUSS MUSCULAR DYSTROPHY 4 WITH VARIABLE FEATURES. Identifiers: Orphanet 261, MedGen C2751807, MONDO:0013071, OMIM 612998.
SYNE1-related disorder. Also called: SYNE1-related disease; SYNE1-related condition; SYNE1-related disorders.

Submissions (2):

Labcorp Genetics (formerly Invitae), Labcorp
Classification: Pathogenic for Emery-Dreifuss muscular dystrophy 4, autosomal dominant; Autosomal recessive ataxia, Beauce type. Last evaluated: 2022-05-03. Review status: criteria provided, single submitter. Criteria: Invitae Variant Classification Sherloc (09022015). Collection method: clinical testing. Allele origin: germline.
Comment: For these reasons, this variant has been classified as Pathogenic. This variant has not been reported in the literature in individuals affected with SYNE1-related conditions. This variant is not present in population databases (gnomAD no frequency). This sequence change creates a premature translational stop signal (p.Leu8109Trpfs*10) in the SYNE1 gene. It is expected to result in an absent or disrupted protein product. Loss-of-function variants in SYNE1 are known to be pathogenic (PMID: 19542096, 24319099, 27086870).

Blueprint Genetics
Classification: Likely pathogenic for SYNE1-related disorders. Last evaluated: 2021-06-23. Review status: criteria provided, single submitter. Criteria: ACMG Guidelines, 2015. Collection method: clinical testing. Allele origin: germline. Affected: yes. Observed: 1 variant allele.

Literature cited by the submitters: PubMed 19542096 (cited by Labcorp Genetics (formerly Invitae), Labcorp); PubMed 24319099 (cited by Labcorp Genetics (formerly Invitae), Labcorp); PubMed 27086870 (cited by Labcorp Genetics (formerly Invitae), Labcorp).

NM_182961.4(SYNE1):c.24537del (p.Leu8180fs)

Gene: SYNE1 (spectrin repeat containing nuclear envelope protein 1; minus strand). Cytogenetic location: 6q25.2.
Variant type: Deletion.
Coding change: c.24537del on transcript NM_182961.4 (MANE Select); coding-DNA position 24537, one base deleted (C; older notation c.24537delC).
Protein change: p.Leu8180fs; shifts the reading frame from leucine 8180.
Molecular consequence: frameshift variant.
Genome position (GRCh38, 1-based): chr6:152,149,582, G deleted on the plus strand (C on the coding strand, the reverse complement: SYNE1 is on the minus strand); the first of 3 consecutive G bases (chr6:152,149,582-152,149,584); deleting any one gives the same sequence. VCF-style (leftmost placement, unchanged base first): chr6-152149581-AG-A. GRCh37 (hg19) VCF-style: chr6-152470716-AG-A.
Other names: c.1143del, p.Leu382fs (NM_001347701.2); c.1002del, p.Leu335fs (NM_001347702.2); c.24324del, p.Leu8109fs (NM_033071.5); short protein forms L335fs, L8109fs, L382fs, L8180fs.
Identifiers: ClinVar variation 2133087 (VCV002133087.5), dbSNP rs2550010488, ClinGen allele CA2580075209.